The following is an entry in ClinVar:

NM_004329.3(BMPR1A):c.1022G>C (p.Gly341Ala)

Gene: BMPR1A (bone morphogenetic protein receptor type 1A; plus strand). Cytogenetic location: 10q23.2.
Variant type: single nucleotide variant.
Coding change: c.1022G>C on transcript NM_004329.3 (MANE Select); coding-DNA position 1022, G replaced by C.
Protein change: p.Gly341Ala; replaces glycine 341 with alanine.
Molecular consequence: missense variant.
Genome position (GRCh38, 1-based): chr10:86,919,325, G>C. VCF-style: chr10-86919325-G-C. GRCh37 (hg19) VCF-style: chr10-88679082-G-C.
Other names: short protein forms G341A.
Identifiers: ClinVar variation 1427937 (VCV001427937.10), dbSNP rs1564724250, ClinGen allele CA377460610.
Genomic context (GRCh38, chr10:86,919,325, plus strand): 5'-TGAAATGTGCTACACTGGACACCAGAGCCCTGCTTAAATTGGCTTATTCAGCTGCCTGTG[G>C]TCTGTGCCACCTGCACACAGAAATTTATGGCACCCAAGGAAAGCCCGCAATTGCTCATCG-3'
Protein context (NP_004320.2, residues 331-351): LLKLAYSAAC[Gly341Ala]LCHLHTEIYG

ClinVar aggregate classification (germline): Uncertain significance. Review status: criteria provided, multiple submitters, no conflicts (2 of 4 stars). 3 submissions from 3 submitters: Uncertain significance (3). Last evaluated 2026-08-19.

Conditions:
Hereditary cancer-predisposing syndrome. Also called: Hereditary Cancer Syndrome; Neoplastic Syndromes, Hereditary; Hereditary neoplastic syndrome; Tumor predisposition. Identifiers: Orphanet 140162, MedGen C0027672, MeSH D009386, MONDO:0015356.
Juvenile polyposis syndrome (JPS). Identifiers: Orphanet 2929, MedGen C0345893, MONDO:0017380, OMIM 174900.

Allele frequency attached by ClinVar (database versions not stated): gnomAD exomes below 0.00001.
gnomAD v4.1: 3 of 1,613,696 alleles (0.00019%); highest among the groups gnomAD compares: Non-Finnish European, 0.00025%; no homozygotes.

Submissions (3):

Ambry Genetics
Classification: Uncertain significance for Hereditary cancer-predisposing syndrome. Last evaluated: 2026-08-19. Review status: criteria provided, single submitter. Criteria: Ambry Variant Classification Scheme 2023. Collection method: clinical testing. Allele origin: germline.
Comment: The p.G341A variant (also known as c.1022G>C), located in coding exon 8 of the BMPR1A gene, results from a G to C substitution at nucleotide position 1022. The glycine at codon 341 is replaced by alanine, an amino acid with similar properties. This amino acid position is highly conserved in available vertebrate species. In addition, this alteration is predicted to be deleterious by in silico analysis. Based on the available evidence, the clinical significance of this variant remains unclear.

Color Diagnostics, LLC DBA Color Health
Classification: Uncertain significance for Hereditary cancer-predisposing syndrome. Last evaluated: 2025-01-27. Review status: criteria provided, single submitter. Criteria: ACMG Guidelines, 2015. Collection method: clinical testing. Allele origin: germline.
Comment: This missense variant replaces glycine with alanine at codon 341 of the BMPR1A protein. Computational prediction suggests that this variant may have deleterious impact on protein structure and function. To our knowledge, functional studies have not been reported for this variant. This variant has not been reported in individuals affected with BMPR1A-related disorders in the literature. This variant has not been identified in the general population by the Genome Aggregation Database (gnomAD). The available evidence is insufficient to determine the role of this variant in disease conclusively. Therefore, this variant is classified as a Variant of Uncertain Significance.

Labcorp Genetics (formerly Invitae), Labcorp
Classification: Uncertain significance for Juvenile polyposis syndrome. Last evaluated: 2024-12-04. Review status: criteria provided, single submitter. Criteria: Invitae Variant Classification Sherloc (09022015). Collection method: clinical testing. Allele origin: germline.
Comment: This sequence change replaces glycine, which is neutral and non-polar, with alanine, which is neutral and non-polar, at codon 341 of the BMPR1A protein (p.Gly341Ala). This variant is not present in population databases (gnomAD no frequency). This variant has not been reported in the literature in individuals affected with BMPR1A-related conditions. ClinVar contains an entry for this variant (Variation ID: 1427937). Invitae Evidence Modeling of protein sequence and biophysical properties (such as structural, functional, and spatial information, amino acid conservation, physicochemical variation, residue mobility, and thermodynamic stability) has been performed for this missense variant. However, the output from this modeling did not meet the statistical confidence thresholds required to predict the impact of this variant on BMPR1A protein function. In summary, the available evidence is currently insufficient to determine the role of this variant in disease. Therefore, it has been classified as a Variant of Uncertain Significance.